The following is an entry in ClinVar:

ClinVar aggregate classification (germline): Uncertain significance. Review status: criteria provided, multiple submitters, no conflicts (2 of 4 stars). 2 submissions from 2 submitters: Uncertain significance (2). Last evaluated 2021-04-28.

Allele frequency attached by ClinVar (database versions not stated): gnomAD exomes 0.00001.
gnomAD v4.1: 4 of 1,613,772 alleles (0.00025%); highest among the groups gnomAD compares: Admixed American, 0.0017%; no homozygotes.

Submissions (2):

Labcorp Genetics (formerly Invitae), Labcorp
Classification: Uncertain significance. Last evaluated: 2021-04-28. Review status: criteria provided, single submitter. Criteria: Invitae Variant Classification Sherloc (09022015). Collection method: clinical testing. Allele origin: germline.
Comment: In summary, the available evidence is currently insufficient to determine the role of this variant in disease. Therefore, it has been classified as a Variant of Uncertain Significance. Algorithms developed to predict the effect of missense changes on protein structure and function are either unavailable or do not agree on the potential impact of this missense change (SIFT: "Deleterious"; PolyPhen-2: "Probably Damaging"; Align-GVGD: "Class C0"). This variant has not been reported in the literature in individuals with SAG-related conditions. ClinVar contains an entry for this variant (Variation ID: 865828). This variant is not present in population databases (ExAC no frequency). This sequence change replaces serine with tryptophan at codon 255 of the SAG protein (p.Ser255Trp). The serine residue is moderately conserved and there is a large physicochemical difference between serine and tryptophan.

Blueprint Genetics
Classification: Uncertain significance. Last evaluated: 2018-12-13. Review status: criteria provided, single submitter. Criteria: ACMG Guidelines, 2015. Collection method: clinical testing. Allele origin: germline.

NM_000541.5(SAG):c.764C>G (p.Ser255Trp)

Gene: SAG (S-antigen visual arrestin; plus strand). Cytogenetic location: 2q37.1.
Variant type: single nucleotide variant.
Coding change: c.764C>G on transcript NM_000541.5 (MANE Select); coding-DNA position 764, C replaced by G.
Protein change: p.Ser255Trp; replaces serine 255 with tryptophan.
Molecular consequence: missense variant.
Genome position (GRCh38, 1-based): chr2:233,331,670, C>G. VCF-style: chr2-233331670-C-G. GRCh37 (hg19) VCF-style: chr2-234240316-C-G.
Other names: short protein forms S255W.
Identifiers: ClinVar variation 865828 (VCV000865828.10), dbSNP rs1441224639, ClinGen allele CA351048198.